The following is an entry in ClinVar:

ClinVar aggregate classification (germline): Uncertain significance (1 of 4 stars; one submission).

Submission:

GeneDx
Classification: Uncertain significance. Last evaluated: 2021-04-14. Review status: criteria provided, single submitter. Criteria: GeneDx Variant Classification Process June 2021. Collection method: clinical testing. Allele origin: germline. Affected: yes.
Comment: Not observed in large population cohorts (Lek et al., 2016); In silico analysis supports that this missense variant does not alter protein structure/function; Has not been previously published as pathogenic or benign to our knowledge

NM_014991.6(WDFY3):c.6626A>C (p.His2209Pro)

Gene: WDFY3 (WD repeat and FYVE domain containing 3; minus strand). Cytogenetic location: 4q21.23.
Variant type: single nucleotide variant.
Coding change: c.6626A>C on transcript NM_014991.6 (MANE Select); coding-DNA position 6626, A replaced by C.
Protein change: p.His2209Pro; replaces histidine 2209 with proline.
Molecular consequence: missense variant.
Genome position (GRCh38, 1-based): chr4:84,737,315, T>G on the plus strand (A>C on the coding strand, the complement: WDFY3 is on the minus strand). VCF-style: chr4-84737315-T-G. GRCh37 (hg19) VCF-style: chr4-85658468-T-G.
Other names: short protein forms H2209P.
Identifiers: ClinVar variation 1314676 (VCV001314676.2), dbSNP rs2149201132, ClinGen allele CA357552461.